The following is an entry in ClinVar:

ClinVar aggregate classification (germline): Uncertain significance (1 of 4 stars; one submission).

Conditions:
Inborn genetic diseases. Identifiers: MedGen C0950123, MeSH D030342.

Submission:

Ambry Genetics
Classification: Uncertain significance for Inborn genetic diseases. Last evaluated: 2021-10-27. Review status: criteria provided, single submitter. Criteria: Ambry Variant Classification Scheme 2023. Collection method: clinical testing. Allele origin: germline.
Comment: The p.P2512L variant (also known as c.7535C>T), located in coding exon 45 of the ATR gene, results from a C to T substitution at nucleotide position 7535. The proline at codon 2512 is replaced by leucine, an amino acid with similar properties. This amino acid position is conserved. In addition, this alteration is predicted to be deleterious by in silico analysis. Since supporting evidence is limited at this time, the clinical significance of this alteration remains unclear.

NM_001184.4(ATR):c.7535C>T (p.Pro2512Leu)

Gene: ATR (ATR checkpoint kinase; minus strand). Cytogenetic location: 3q23.
Variant type: single nucleotide variant.
Coding change: c.7535C>T on transcript NM_001184.4 (MANE Select); coding-DNA position 7535, C replaced by T.
Protein change: p.Pro2512Leu; replaces proline 2512 with leucine.
Molecular consequence: missense variant.
Genome position (GRCh38, 1-based): chr3:142,457,724, G>A on the plus strand (C>T on the coding strand, the complement: ATR is on the minus strand). VCF-style: chr3-142457724-G-A. GRCh37 (hg19) VCF-style: chr3-142176566-G-A.
Other names: c.7343C>T, p.Pro2448Leu (NM_001354579.2); short protein forms P2512L, P2448L.
Identifiers: ClinVar variation 1759403 (VCV001759403.2), dbSNP rs2473033526, ClinGen allele CA354795400.